The following is an entry in ClinVar:

NM_003923.3(FOXH1):c.910C>G (p.Pro304Ala)

Gene: FOXH1 (forkhead box H1; minus strand). Cytogenetic location: 8q24.3.
Variant type: single nucleotide variant.
Coding change: c.910C>G on transcript NM_003923.3 (MANE Select); coding-DNA position 910, C replaced by G.
Protein change: p.Pro304Ala; replaces proline 304 with alanine.
Molecular consequence: missense variant.
Genome position (GRCh38, 1-based): chr8:144,474,426, G>C on the plus strand (C>G on the coding strand, the complement: FOXH1 is on the minus strand). VCF-style: chr8-144474426-G-C. GRCh37 (hg19) VCF-style: chr8-145699809-G-C.
Other names: short protein forms P304A.
Identifiers: ClinVar variation 1327340 (VCV001327340.2), dbSNP rs541715607, ClinGen allele CA4945408.

ClinVar aggregate classification (germline): Uncertain significance (1 of 4 stars; one submission).

Allele frequency attached by ClinVar (database versions not stated): gnomAD 0.00003; 1000 Genomes Project 30x 0.00047; 1000 Genomes Project 0.00060.

Submission:

GeneDx
Classification: Uncertain significance. Last evaluated: 2021-06-01. Review status: criteria provided, single submitter. Criteria: GeneDx Variant Classification Process June 2021. Collection method: clinical testing. Allele origin: germline. Affected: yes.
Comment: In silico analysis supports that this missense variant does not alter protein structure/function; Has not been previously published as pathogenic or benign to our knowledge; This variant is associated with the following publications: (PMID: 27535533)